The following is an entry in ClinVar:

ClinVar aggregate classification (germline): Uncertain significance. Review status: criteria provided, multiple submitters, no conflicts (2 of 4 stars). 2 submissions from 2 submitters: Uncertain significance (2). Last evaluated 2025-02-04.

Allele frequency attached by ClinVar (database versions not stated): gnomAD exomes below 0.00001; TOPMed below 0.00001; gnomAD 0.00001.
gnomAD v4.1: 3 of 1,613,622 alleles (0.00019%); highest among the groups gnomAD compares: Non-Finnish European, 0.00025%; no homozygotes.

Submissions (2):

Ambry Genetics
Classification: Uncertain significance. Last evaluated: 2025-02-04. Review status: criteria provided, single submitter. Criteria: Ambry Variant Classification Scheme 2023. Collection method: clinical testing. Allele origin: germline.

Labcorp Genetics (formerly Invitae), Labcorp
Classification: Uncertain significance. Last evaluated: 2022-01-03. Review status: criteria provided, single submitter. Criteria: Invitae Variant Classification Sherloc (09022015). Collection method: clinical testing. Allele origin: germline.
Comment: In summary, the available evidence is currently insufficient to determine the role of this variant in disease. Therefore, it has been classified as a Variant of Uncertain Significance. Algorithms developed to predict the effect of missense changes on protein structure and function are either unavailable or do not agree on the potential impact of this missense change (SIFT: "Deleterious"; PolyPhen-2: "Benign"; Align-GVGD: "Class C0"). This variant has not been reported in the literature in individuals affected with POLG2-related conditions. This variant is present in population databases (no rsID available, gnomAD 0.0009%). This sequence change replaces serine, which is neutral and polar, with glycine, which is neutral and non-polar, at codon 37 of the POLG2 protein (p.Ser37Gly).

NM_007215.4(POLG2):c.109A>G (p.Ser37Gly)

Genes: MILR1 (mast cell immunoglobulin like receptor 1; plus strand), POLG2 (DNA polymerase gamma 2, accessory subunit; minus strand). Cytogenetic location: 17q23.3.
Variant type: single nucleotide variant.
Coding change: c.109A>G on transcript NM_007215.4 (MANE Select); coding-DNA position 109, A replaced by G.
Protein change: p.Ser37Gly; replaces serine 37 with glycine.
Molecular consequence: missense variant.
Genome position (GRCh38, 1-based): chr17:64,496,860, T>C on the plus strand (A>G on the coding strand, the complement: POLG2 is on the minus strand). VCF-style: chr17-64496860-T-C. GRCh37 (hg19) VCF-style: chr17-62492978-T-C.
Other names: c.109A>G (NM_007215.3); short protein forms S37G.
Identifiers: ClinVar variation 1420140 (VCV001420140.8), dbSNP rs1460188330, ClinGen allele CA400641630.